The following is an entry in ClinVar:

NM_000180.4(GUCY2D):c.3265G>A (p.Glu1089Lys)

Gene: GUCY2D (guanylate cyclase 2D, retinal; plus strand). Cytogenetic location: 17p13.1.
Variant type: single nucleotide variant.
Coding change: c.3265G>A on transcript NM_000180.4 (MANE Select); coding-DNA position 3265, G replaced by A.
Protein change: p.Glu1089Lys; replaces glutamic acid 1089 with lysine.
Molecular consequence: missense variant.
Genome position (GRCh38, 1-based): chr17:8,016,483, G>A. VCF-style: chr17-8016483-G-A. GRCh37 (hg19) VCF-style: chr17-7919801-G-A.
Other names: c.3265G>A (NM_000180.3); short protein forms E1089K.
Identifiers: ClinVar variation 1036691 (VCV001036691.10), dbSNP rs779735498, ClinGen allele CA287535299.
Genomic context (GRCh38, chr17:8,016,483, plus strand): 5'-CCACCGCCCCCTCCTTGCAGGTCCAGCAACCACGGCATCAGCCTGCAGGAGATCCCACCC[G>A]AGCGGCGACGGAAGCTGGAGAAGGCGCGGCCGGGCCAGTTCTCTTGAGAAGTGAGGCCCG-3'
Protein context (NP_000171.1, residues 1079-1099): HGISLQEIPP[Glu1089Lys]RRRKLEKARP

ClinVar aggregate classification (germline): Uncertain significance. Review status: criteria provided, multiple submitters, no conflicts (2 of 4 stars). 4 submissions from 4 submitters: Uncertain significance (3). 1 of the submissions does not count toward it. Last evaluated 2025-11-19.

Conditions:
Inborn genetic diseases. Identifiers: MedGen C0950123, MeSH D030342.
Cone-rod dystrophy 6 (CORD6). Also called: RETINAL CONE DYSTROPHY 2; Cone dystrophy progressive. Identifiers: Orphanet 1872, MedGen C1866293, MONDO:0011143, OMIM 601777.
Leber congenital amaurosis 1 (LCA1). Also called: Congenital absence of the rods and cones; Leber's congenital tapetoretinal degeneration; Leber's congenital tapetoretinal dysplasia; RETINAL BLINDNESS, CONGENITAL; AMAUROSIS CONGENITA OF LEBER I. Identifiers: Orphanet 65, MedGen C2931258, MONDO:0008764, OMIM 204000.
Retinal dystrophy. Also called: Inherited retinal dystrophy. Identifiers: Orphanet 71862, MedGen C0854723, MeSH D058499, MONDO:0019118, HP:0000556.

Allele frequency attached by ClinVar (database versions not stated): TOPMed 0.00003.

Submissions (4):

Labcorp Genetics (formerly Invitae), Labcorp
Classification: Uncertain significance for Leber congenital amaurosis 1; Cone-rod dystrophy 6. Last evaluated: 2025-11-19. Review status: criteria provided, single submitter. Criteria: Invitae Variant Classification Sherloc (09022015). Collection method: clinical testing. Allele origin: germline.
Comment: This sequence change replaces glutamic acid, which is acidic and polar, with lysine, which is basic and polar, at codon 1089 of the GUCY2D protein (p.Glu1089Lys). The frequency data for this variant in the population databases is considered unreliable, as metrics indicate poor data quality at this position in the gnomAD database. This variant has not been reported in the literature in individuals affected with GUCY2D-related conditions. ClinVar contains an entry for this variant (Variation ID: 1036691). Invitae Evidence Modeling of protein sequence and biophysical properties (such as structural, functional, and spatial information, amino acid conservation, physicochemical variation, residue mobility, and thermodynamic stability) indicates that this missense variant is not expected to disrupt GUCY2D protein function with a negative predictive value of 80%. In summary, the available evidence is currently insufficient to determine the role of this variant in disease. Therefore, it has been classified as a Variant of Uncertain Significance.

Ambry Genetics
Classification: Uncertain significance for Inborn genetic diseases. Last evaluated: 2022-11-07. Review status: criteria provided, single submitter. Criteria: Ambry Variant Classification Scheme 2023. Collection method: clinical testing. Allele origin: germline.

Blueprint Genetics
Classification: Uncertain significance. Last evaluated: 2022-07-01. Review status: criteria provided, single submitter. Criteria: ACMG Guidelines, 2015. Collection method: clinical testing. Allele origin: germline.

Institute of Human Genetics, Univ. Regensburg, Univ. Regensburg
Classification: Uncertain significance for Retinal dystrophy. Last evaluated: 2022-01-01. Review status: no assertion criteria provided. Criteria: ACMG Guidelines, 2015. Collection method: clinical testing. Allele origin: germline. Affected: yes. Not counted in ClinVar's aggregate classification.